The following is an entry in ClinVar:

NM_144997.7(FLCN):c.1179C>A (p.Thr393=)

Gene: FLCN (folliculin; minus strand). Cytogenetic location: 17p11.2.
Variant type: single nucleotide variant.
Coding change: c.1179C>A on transcript NM_144997.7 (MANE Select); coding-DNA position 1179, C replaced by A.
Protein change: p.Thr393=; no amino-acid change (threonine 393 retained).
Molecular consequence: synonymous variant.
Genome position (GRCh38, 1-based): chr17:17,216,501, G>T on the plus strand (C>A on the coding strand, the complement: FLCN is on the minus strand). VCF-style: chr17-17216501-G-T. GRCh37 (hg19) VCF-style: chr17-17119815-G-T.
Other names: c.1233C>A, p.Thr411= (NM_001353229.2); c.1179C>A, p.Thr393= (NM_001353230.2, NM_001353231.2).
Identifiers: ClinVar variation 1551653 (VCV001551653.11), dbSNP rs755413587, ClinGen allele CA8416102.

ClinVar aggregate classification (germline): Benign/Likely benign. Review status: criteria provided, multiple submitters, no conflicts (2 of 4 stars). 3 submissions from 3 submitters: Benign (1); Likely benign (2). Last evaluated 2025-12-15.

Conditions:
Birt-Hogg-Dube syndrome. Also called: Birt Hogg Dubé syndrome. Identifiers: Orphanet 122, MedGen C0346010, MONDO:0800444.
Birt-Hogg-Dube syndrome 1 (BHD1). Also called: FIBROFOLLICULOMAS WITH TRICHODISCOMAS AND ACROCHORDONS. Identifiers: Orphanet 122, MedGen CN375946, MONDO:0800445, OMIM 135150.
Hereditary cancer-predisposing syndrome. Also called: Neoplastic Syndromes, Hereditary; Tumor predisposition; Hereditary neoplastic syndrome; Hereditary Cancer Syndrome. Identifiers: Orphanet 140162, MedGen C0027672, MeSH D009386, MONDO:0015356.

Allele frequency attached by ClinVar (database versions not stated): gnomAD exomes below 0.00001; TOPMed below 0.00001; ExAC 0.00001.
gnomAD v4.1: 5 of 1,613,760 alleles (0.00031%); highest among the groups gnomAD compares: Non-Finnish European, 0.00034%; no homozygotes.

Submissions (3):

Labcorp Genetics (formerly Invitae), Labcorp
Classification: Likely benign for Birt-Hogg-Dube syndrome. Last evaluated: 2025-12-15. Review status: criteria provided, single submitter. Criteria: Invitae Variant Classification Sherloc (09022015). Collection method: clinical testing. Allele origin: germline.

Myriad Genetics, Inc.
Classification: Benign for Birt-Hogg-Dube syndrome 1. Last evaluated: 2024-10-24. Review status: criteria provided, single submitter. Criteria: Myriad Autosomal Dominant, Autosomal Recessive and X-Linked Classification Criteria (2023). Collection method: clinical testing. Allele origin: unknown.
Comment: This variant is considered benign. This variant is a silent/synonymous amino acid change and it is not expected to impact splicing.

Ambry Genetics
Classification: Likely benign for Hereditary cancer-predisposing syndrome. Last evaluated: 2021-04-21. Review status: criteria provided, single submitter. Criteria: Ambry Variant Classification Scheme 2023. Collection method: clinical testing. Allele origin: germline.